The following is an entry in ClinVar:

NM_001903.5(CTNNA1):c.141C>G (p.Pro47=)

Gene: CTNNA1 (catenin alpha 1; plus strand). Cytogenetic location: 5q31.2.
Variant type: single nucleotide variant.
Coding change: c.141C>G on transcript NM_001903.5 (MANE Select); coding-DNA position 141, C replaced by G.
Protein change: p.Pro47=; no amino-acid change (proline 47 retained).
Molecular consequence: synonymous variant. On other transcripts: 5 prime UTR variant (1), intron variant (1).
Genome position (GRCh38, 1-based): chr5:138,783,212, C>G. VCF-style: chr5-138783212-C-G. GRCh37 (hg19) VCF-style: chr5-138118901-C-G.
Other names: c.141C>G, p.Pro47= (NM_001290307.3, NM_001323982.2, NM_001323983.1 and 3 more transcripts); c.-66C>G (NM_001290310.3); c.-9+1183C>G (NM_001290309.3).
Identifiers: ClinVar variation 1126992 (VCV001126992.10), dbSNP rs2149656171, ClinGen allele CA446725074.

ClinVar aggregate classification (germline): Benign/Likely benign. Review status: criteria provided, multiple submitters, no conflicts (2 of 4 stars). 2 submissions from 2 submitters: Benign (1); Likely benign (1). Last evaluated 2024-10-09.

Conditions:
Hereditary diffuse gastric adenocarcinoma (HDGC). Also called: DIFFUSE GASTRIC AND LOBULAR BREAST CANCER SYNDROME. Identifiers: Orphanet 26106, MedGen C1708349, MONDO:0007648, OMIM 137215.

Submissions (2):

Myriad Genetics, Inc.
Classification: Benign for Hereditary diffuse gastric adenocarcinoma. Last evaluated: 2024-10-09. Review status: criteria provided, single submitter. Criteria: Myriad Autosomal Dominant, Autosomal Recessive and X-Linked Classification Criteria (2023). Collection method: clinical testing. Allele origin: unknown.
Comment: This variant is considered benign. This variant is a silent/synonymous amino acid change and it is not expected to impact splicing.

Labcorp Genetics (formerly Invitae), Labcorp
Classification: Likely benign. Last evaluated: 2023-08-17. Review status: criteria provided, single submitter. Criteria: Invitae Variant Classification Sherloc (09022015). Collection method: clinical testing. Allele origin: germline.